The following is an entry in ClinVar:

ClinVar aggregate classification (germline): Uncertain significance. Review status: criteria provided, multiple submitters, no conflicts (2 of 4 stars). 3 submissions from 3 submitters: Uncertain significance (3). Last evaluated 2025-06-23.

Conditions:
Hereditary cancer-predisposing syndrome. Also called: Hereditary neoplastic syndrome; Neoplastic Syndromes, Hereditary; Hereditary Cancer Syndrome; Tumor predisposition. Identifiers: Orphanet 140162, MedGen C0027672, MeSH D009386, MONDO:0015356.
Familial adenomatous polyposis 1 (FAP1). Also called: POLYPOSIS, ADENOMATOUS INTESTINAL; FAMILIAL ADENOMATOUS POLYPOSIS 1, ATTENUATED. Identifiers: MedGen C2713442, MONDO:0021056, OMIM 175100. Disease mechanism: loss of function.

Submissions (3):

Color Diagnostics, LLC DBA Color Health
Classification: Uncertain significance for Hereditary cancer-predisposing syndrome. Last evaluated: 2025-06-23. Review status: criteria provided, single submitter. Criteria: ACMG Guidelines, 2015. Collection method: clinical testing. Allele origin: germline.
Comment: This missense variant replaces aspartic acid with glycine at codon 1018 of the APC protein. Computational prediction suggests that this variant may not impact protein structure and function. To our knowledge, functional studies have not been reported for this variant. This variant has not been reported in individuals affected with APC-related disorders in the literature. This variant has not been identified in the general population by the Genome Aggregation Database (gnomAD). The available evidence is insufficient to determine the role of this variant in disease conclusively. Therefore, this variant is classified as a Variant of Uncertain Significance.

Ambry Genetics
Classification: Uncertain significance for Hereditary cancer-predisposing syndrome. Last evaluated: 2024-12-18. Review status: criteria provided, single submitter. Criteria: Ambry Variant Classification Scheme 2023. Collection method: clinical testing. Allele origin: germline.
Comment: The p.D1018G variant (also known as c.3053A>G), located in coding exon 15 of the APC gene, results from an A to G substitution at nucleotide position 3053. The aspartic acid at codon 1018 is replaced by glycine, an amino acid with similar properties. Missense alterations in APC are not a common cause of disease (Spier I et al. Genet Med. 2024 Feb;26(2):100992). This amino acid position is well conserved in available vertebrate species. In addition, in silico predictors for this gene do not accurately predict pathogenicity. Based on the available evidence, the clinical significance of this variant remains unclear.

Labcorp Genetics (formerly Invitae), Labcorp
Classification: Uncertain significance for Familial adenomatous polyposis 1. Last evaluated: 2023-03-31. Review status: criteria provided, single submitter. Criteria: Invitae Variant Classification Sherloc (09022015). Collection method: clinical testing. Allele origin: germline.
Comment: In summary, the available evidence is currently insufficient to determine the role of this variant in disease. Therefore, it has been classified as a Variant of Uncertain Significance. Advanced modeling of protein sequence and biophysical properties (such as structural, functional, and spatial information, amino acid conservation, physicochemical variation, residue mobility, and thermodynamic stability) performed at Invitae indicates that this missense variant is not expected to disrupt APC protein function. ClinVar contains an entry for this variant (Variation ID: 966387). This variant has not been reported in the literature in individuals affected with APC-related conditions. This variant is not present in population databases (gnomAD no frequency). This sequence change replaces aspartic acid, which is acidic and polar, with glycine, which is neutral and non-polar, at codon 1018 of the APC protein (p.Asp1018Gly).

NM_000038.6(APC):c.3053A>G (p.Asp1018Gly)

Gene: APC (APC regulator of Wnt signaling pathway; plus strand). Cytogenetic location: 5q22.2.
Variant type: single nucleotide variant.
Coding change: c.3053A>G on transcript NM_000038.6 (MANE Select); coding-DNA position 3053, A replaced by G.
Protein change: p.Asp1018Gly; replaces aspartic acid 1018 with glycine.
Molecular consequence: missense variant.
Genome position (GRCh38, 1-based): chr5:112,838,647, A>G. VCF-style: chr5-112838647-A-G. GRCh37 (hg19) VCF-style: chr5-112174344-A-G.
Other names: c.3053A>G, p.Asp1018Gly (NM_001127510.3, NM_001354895.2); c.2999A>G, p.Asp1000Gly (NM_001127511.3); c.3107A>G, p.Asp1036Gly (NM_001354896.2); c.3083A>G, p.Asp1028Gly (NM_001354897.2); c.2978A>G, p.Asp993Gly (NM_001354898.2); c.2969A>G, p.Asp990Gly (NM_001354899.2); c.2930A>G, p.Asp977Gly (NM_001354900.2); c.2876A>G, p.Asp959Gly (NM_001354901.2); and 5 more; short protein forms D1018G, D735G, D959G, D977G, D993G, D1000G, D858G, D892G.
Identifiers: ClinVar variation 966387 (VCV000966387.13), dbSNP rs1765325527, ClinGen allele CA16028019.